The following is an entry in ClinVar:

ClinVar aggregate classification (germline): Uncertain significance (1 of 4 stars; one submission).

gnomAD v4.1: 2 of 1,614,110 alleles (0.00012%); highest among the groups gnomAD compares: Admixed American, 0.0017%; no homozygotes.

Submission:

Ambry Genetics
Classification: Uncertain significance. Last evaluated: 2025-01-31. Review status: criteria provided, single submitter. Criteria: Ambry Variant Classification Scheme 2023. Collection method: clinical testing. Allele origin: germline.
Comment: The p.Q943K variant (also known as c.2827C>A), located in coding exon 1 of the TET2 gene, results from a C to A substitution at nucleotide position 2827. The glutamine at codon 943 is replaced by lysine, an amino acid with similar properties. This amino acid position is conserved. In addition, this alteration is predicted to be tolerated by in silico analysis. Based on the available evidence, the clinical significance of this variant remains unclear.

NM_001127208.3(TET2):c.2827C>A (p.Gln943Lys)

Genes: TET2 (tet methylcytosine dioxygenase 2; plus strand), TET2-AS1 (TET2 antisense RNA 1; minus strand). Cytogenetic location: 4q24.
Variant type: single nucleotide variant.
Coding change: c.2827C>A on transcript NM_001127208.3 (MANE Select); coding-DNA position 2827, C replaced by A.
Protein change: p.Gln943Lys; replaces glutamine 943 with lysine.
Molecular consequence: missense variant.
Genome position (GRCh38, 1-based): chr4:105,236,769, C>A. VCF-style: chr4-105236769-C-A. GRCh37 (hg19) VCF-style: chr4-106157926-C-A.
Other names: c.2827C>A, p.Gln943Lys (NM_017628.4); short protein forms Q943K.
Identifiers: ClinVar variation 3806016 (VCV003806016.1).